The following is an entry in ClinVar:

NM_007186.6(CEP250):c.3448G>A (p.Ala1150Thr)

Gene: CEP250 (centrosomal protein 250; plus strand). Cytogenetic location: 20q11.22.
Variant type: single nucleotide variant.
Coding change: c.3448G>A on transcript NM_007186.6 (MANE Select); coding-DNA position 3448, G replaced by A.
Protein change: p.Ala1150Thr; replaces alanine 1150 with threonine.
Molecular consequence: missense variant.
Genome position (GRCh38, 1-based): chr20:35,497,860, G>A. VCF-style: chr20-35497860-G-A. GRCh37 (hg19) VCF-style: chr20-34085689-G-A.
Other names: c.1552G>A, p.Ala518Thr (NM_001318219.1); short protein forms A1150T, A518T.
Identifiers: ClinVar variation 1063118 (VCV001063118.9), dbSNP rs770056831, ClinGen allele CA9833469.

ClinVar aggregate classification (germline): Uncertain significance (1 of 4 stars; one submission).

Allele frequency attached by ClinVar (database versions not stated): gnomAD exomes below 0.00001 and 0.00001; gnomAD 0.00001; TOPMed 0.00001; ExAC 0.00003.

Submission:

Labcorp Genetics (formerly Invitae), Labcorp
Classification: Uncertain significance. Last evaluated: 2022-10-19. Review status: criteria provided, single submitter. Criteria: Invitae Variant Classification Sherloc (09022015). Collection method: clinical testing. Allele origin: germline.
Comment: In summary, the available evidence is currently insufficient to determine the role of this variant in disease. Therefore, it has been classified as a Variant of Uncertain Significance. Algorithms developed to predict the effect of missense changes on protein structure and function output the following: SIFT: "Not Available"; PolyPhen-2: "Benign"; Align-GVGD: "Not Available". The threonine amino acid residue is found in multiple mammalian species, which suggests that this missense change does not adversely affect protein function. ClinVar contains an entry for this variant (Variation ID: 1063118). This variant has not been reported in the literature in individuals affected with CEP250-related conditions. The frequency data for this variant in the population databases is considered unreliable, as metrics indicate poor data quality at this position in the gnomAD database. This sequence change replaces alanine, which is neutral and non-polar, with threonine, which is neutral and polar, at codon 1150 of the CEP250 protein (p.Ala1150Thr).